The following is an entry in ClinVar:

NM_152383.5(DIS3L2):c.705G>A (p.Val235=)

Gene: DIS3L2 (DIS3 like 3'-5' exoribonuclease 2; plus strand). Cytogenetic location: 2q37.1.
Variant type: single nucleotide variant.
Coding change: c.705G>A on transcript NM_152383.5 (MANE Select); coding-DNA position 705, G replaced by A.
Protein change: p.Val235=; no amino-acid change (valine 235 retained).
Molecular consequence: synonymous variant. On other transcripts: non-coding transcript variant (1).
Genome position (GRCh38, 1-based): chr2:232,136,474, G>A. VCF-style: chr2-232136474-G-A. GRCh37 (hg19) VCF-style: chr2-233001184-G-A.
Other names: c.705G>A, p.Val235= (NM_001257281.2).
Identifiers: ClinVar variation 844335 (VCV000844335.9), dbSNP rs769440116, ClinGen allele CA2163931.

ClinVar aggregate classification (germline): Uncertain significance (1 of 4 stars; one submission).

Conditions:
Perlman syndrome (PRLMNS). Identifiers: Orphanet 2849, MedGen C0796113, MONDO:0009965, OMIM 267000.

Allele frequency attached by ClinVar (database versions not stated): gnomAD exomes below 0.00001 and 0.00001; ExAC 0.00002.
gnomAD v4.1: 2 of 1,613,834 alleles (0.00012%); highest among the groups gnomAD compares: Non-Finnish European, 0.00017%; no homozygotes.

Submission:

Labcorp Genetics (formerly Invitae), Labcorp
Classification: Uncertain significance for Perlman syndrome. Last evaluated: 2019-09-11. Review status: criteria provided, single submitter. Criteria: Invitae Variant Classification Sherloc (09022015). Collection method: clinical testing. Allele origin: germline.
Comment: In summary, the available evidence is currently insufficient to determine the role of this variant in disease. Therefore, it has been classified as a Variant of Uncertain Significance. This sequence change affects codon 235 of the DIS3L2 mRNA. It is a 'silent' change, meaning that it does not change the encoded amino acid sequence of the DIS3L2 protein. This variant is present in population databases (rs769440116, ExAC 0.003%). This variant has not been reported in the literature in individuals with DIS3L2-related conditions. Algorithms developed to predict the effect of sequence changes on RNA splicing suggest that this variant may create or strengthen a splice site, but this prediction has not been confirmed by published transcriptional studies.